The following is an entry in ClinVar:

NC_000001.10:g.(?_65849856)_(65855330_?)dup

Gene: DNAJC6 (DnaJ heat shock protein family (Hsp40) member C6; plus strand). Cytogenetic location: 1p31.3.
Variant type: Duplication.
Identifiers: ClinVar variation 2424028 (VCV002424028.3).

ClinVar aggregate classification (germline): Uncertain significance (1 of 4 stars; one submission).

Conditions:
Juvenile onset Parkinson disease 19A. Also called: PARK19; DNAJC6 Parkinson Disease. Identifiers: Orphanet 391411, MedGen C3809811, MONDO:0014231, OMIM 615528.

Submission:

Labcorp Genetics (formerly Invitae), Labcorp
Classification: Uncertain significance for Juvenile onset Parkinson disease 19A. Last evaluated: 2022-08-19. Review status: criteria provided, single submitter. Criteria: Invitae Variant Classification Sherloc (09022015). Collection method: clinical testing. Allele origin: germline.
Comment: This variant results in a copy number gain of the genomic region encompassing exon(s) 6-11 of the DNAJC6 gene. While the exact position of this variant cannot be determined from the data, sub-genic copy number gains are generally in tandem (PMID: 25640679). This variant is predicted to be out-of-frame, and may result in an absent or disrupted protein product. Loss-of-function variants in DNAJC6 are known to be pathogenic (PMID: 22563501, 23211418, 26528954). This variant has not been reported in the literature in individuals affected with DNAJC6-related conditions. Experimental studies and prediction algorithms are not available or were not evaluated, and the functional significance of this variant is currently unknown. In summary, the available evidence is currently insufficient to determine the role of this variant in disease. Therefore, it has been classified as a Variant of Uncertain Significance.

Literature cited by the submitters: PubMed 25640679; PubMed 22563501; PubMed 23211418; PubMed 26528954.